The following is an entry in ClinVar:

ClinVar aggregate classification (germline): Uncertain significance. Review status: criteria provided, multiple submitters, no conflicts (2 of 4 stars). 5 submissions from 5 submitters: Uncertain significance (5). Last evaluated 2025-11-16.

Conditions:
Hereditary cancer-predisposing syndrome. Also called: Tumor predisposition; Hereditary neoplastic syndrome; Hereditary Cancer Syndrome; Neoplastic Syndromes, Hereditary. Identifiers: Orphanet 140162, MedGen C0027672, MeSH D009386, MONDO:0015356.

Allele frequency attached by ClinVar (database versions not stated): TOPMed below 0.00001; ExAC 0.00002; gnomAD exomes 0.00002; gnomAD 0.00003 and 0.00004.
gnomAD v4.1: 29 of 1,608,750 alleles (0.0018%); highest among the groups gnomAD compares: Non-Finnish European, 0.0014%; no homozygotes.

Submissions (5):

Labcorp Genetics (formerly Invitae), Labcorp
Classification: Uncertain significance. Last evaluated: 2025-11-16. Review status: criteria provided, single submitter. Criteria: Invitae Variant Classification Sherloc (09022015). Collection method: clinical testing. Allele origin: germline.
Comment: This sequence change replaces arginine, which is basic and polar, with histidine, which is basic and polar, at codon 712 of the POLE protein (p.Arg712His). This variant is present in population databases (rs115225325, gnomAD 0.02%). This variant has not been reported in the literature in individuals affected with POLE-related conditions. ClinVar contains an entry for this variant (Variation ID: 473513). Invitae Evidence Modeling of protein sequence and biophysical properties (such as structural, functional, and spatial information, amino acid conservation, physicochemical variation, residue mobility, and thermodynamic stability) indicates that this missense variant is not expected to disrupt POLE protein function with a negative predictive value of 80%. In summary, the available evidence is currently insufficient to determine the role of this variant in disease. Therefore, it has been classified as a Variant of Uncertain Significance.

Dasa
Classification: Uncertain significance. Last evaluated: 2025-07-11. Review status: criteria provided, single submitter. Criteria: DASA Assertion Criteria. Collection method: clinical testing. Allele origin: germline.
Comment: NM_006231.4(POLE):c.2135G>A (p.Arg712His) is a missense variant that results in the substitution of arginine with histidine. This variant is rare in population databases. Computational prediction algorithms are consistent with a benign effect. The currently available literature and clinical evidence are not sufficient to establish a definitive association between this variant and the reported condition. Therefore, this variant is classified as a variant of uncertain significance.

Ambry Genetics
Classification: Uncertain significance for Hereditary cancer-predisposing syndrome. Last evaluated: 2025-01-17. Review status: criteria provided, single submitter. Criteria: Ambry Variant Classification Scheme 2023. Collection method: clinical testing. Allele origin: germline.
Comment: The p.R712H variant (also known as c.2135G>A), located in coding exon 19 of the POLE gene, results from a G to A substitution at nucleotide position 2135. The arginine at codon 712 is replaced by histidine, an amino acid with highly similar properties. This amino acid position is highly conserved in available vertebrate species. In addition, this alteration is predicted to be tolerated by in silico analysis. Based on the available evidence, the clinical significance of this variant remains unclear.

Blueprint Genetics
Classification: Uncertain significance. Last evaluated: 2022-04-22. Review status: criteria provided, single submitter. Criteria: ACMG Guidelines, 2015. Collection method: clinical testing. Allele origin: germline.

Quest Diagnostics Nichols Institute San Juan Capistrano
Classification: Uncertain significance. Last evaluated: 2019-03-21. Review status: criteria provided, single submitter. Criteria: Quest Diagnostics criteria. Collection method: clinical testing. Allele origin: germline.

NM_006231.4(POLE):c.2135G>A (p.Arg712His)

Gene: POLE (DNA polymerase epsilon, catalytic subunit; minus strand). Cytogenetic location: 12q24.33.
Variant type: single nucleotide variant.
Coding change: c.2135G>A on transcript NM_006231.4 (MANE Select); coding-DNA position 2135, G replaced by A.
Protein change: p.Arg712His; replaces arginine 712 with histidine.
Molecular consequence: missense variant.
Genome position (GRCh38, 1-based): chr12:132,668,394, C>T on the plus strand (G>A on the coding strand, the complement: POLE is on the minus strand). VCF-style: chr12-132668394-C-T. GRCh37 (hg19) VCF-style: chr12-133244980-C-T.
Other names: c.2135G>A (NM_006231.2); short protein forms R712H.
Identifiers: ClinVar variation 473513 (VCV000473513.15), dbSNP rs115225325, ClinGen allele CA6893670.